The following is an entry in ClinVar:

NM_001709.5(BDNF):c.-21-15601A>G

Genes: BDNF (brain derived neurotrophic factor; minus strand), BDNF-AS (BDNF antisense RNA; plus strand). Cytogenetic location: 11p14.1.
Variant type: single nucleotide variant.
Coding change: c.-21-15601A>G on transcript NM_001709.5 (MANE Select); 15601 bases into the intron before 21 bases upstream of the start codon, A replaced by G.
Molecular consequence: intron variant. On other transcripts: synonymous variant (1), 5 prime UTR variant (1).
Genome position (GRCh38, 1-based): chr11:27,674,186, T>C on the plus strand (A>G on the coding strand, the complement: BDNF is on the minus strand). VCF-style: chr11-27674186-T-C. GRCh37 (hg19) VCF-style: chr11-27695733-T-C.
Other names: c.99A>G, p.Thr33= (NM_001143810.2); c.-265A>G (NM_001143811.2); c.4-15601A>G (NM_170731.5); c.-21-15601A>G (NM_001143805.1, NM_001143806.1, NM_170732.4 and 5 more transcripts); c.67-15601A>G (NM_001143809.2); c.-128-15260A>G (NM_001143814.2); c.25-15601A>G (NM_170734.4).
Identifiers: ClinVar variation 3034836 (VCV003034836.2), dbSNP rs758930198, ClinGen allele CA5929197.
Genomic context (GRCh38, chr11:27,674,186, plus strand): 5'-GCCCTTCTTCTGGGATGCACAGTCATGCCATACAGAAGCGTGTGGGTAGACGCCAAAACA[T>C]GTGTGGACCTGCAACCCTTTCTGTAGAAACTCAGCATTCTGAGTAGTAACAAGGATTAAC-3'

ClinVar aggregate classification (germline): Likely benign (0 of 4 stars; one submission).

Conditions:
BDNF-related disorder. Also called: BDNF-related condition.

Allele frequency attached by ClinVar (database versions not stated): gnomAD 0.00007; gnomAD exomes 0.00007; TOPMed 0.00008; ExAC 0.00017.
gnomAD v4.1: 125 of 1,605,508 alleles (0.0078%); highest among the groups gnomAD compares: African/African-American, 0.0054%; no homozygotes.

Submission:

PreventionGenetics, part of Exact Sciences
Classification: Likely benign for BDNF-related condition. Last evaluated: 2021-08-11. Review status: no assertion criteria provided. Collection method: clinical testing. Allele origin: germline.
Comment: This variant is classified as likely benign based on ACMG/AMP sequence variant interpretation guidelines (Richards et al. 2015 PMID: 25741868, with internal and published modifications).